The following is an entry in ClinVar:

NM_006734.4(HIVEP2):c.6066G>A (p.Met2022Ile)

Gene: HIVEP2 (HIVEP zinc finger 2; minus strand). Cytogenetic location: 6q24.2.
Variant type: single nucleotide variant.
Coding change: c.6066G>A on transcript NM_006734.4 (MANE Select); coding-DNA position 6066, G replaced by A.
Protein change: p.Met2022Ile; replaces methionine 2022 with isoleucine.
Molecular consequence: missense variant.
Genome position (GRCh38, 1-based): chr6:142,760,222, C>T on the plus strand (G>A on the coding strand, the complement: HIVEP2 is on the minus strand). VCF-style: chr6-142760222-C-T. GRCh37 (hg19) VCF-style: chr6-143081359-C-T.
Other names: short protein forms M2022I.
Identifiers: ClinVar variation 450124 (VCV000450124.3), dbSNP rs1554275136, ClinGen allele CA365887926.
Genomic context (GRCh38, chr6:142,760,222, plus strand): 5'-TGAGGGTGAGAAGTCCCTGGGAGAGGAGCTTGGCTCTGAAGGTAGCATGCACTCCTCATC[C>T]ATACAACTAGGTATGTCCAATCTGTCTTTGTCTGGTTCTGAGTCCGTACTTTTGCTCTGG-3'
Protein context (NP_006725.3, residues 2012-2032): DKDRLDIPSC[Met2022Ile]DEECMLPSEP

ClinVar aggregate classification (germline): Uncertain significance (1 of 4 stars; one submission).

Allele frequency attached by ClinVar (database versions not stated): gnomAD exomes 0.00001.
gnomAD v4.1: 5 of 1,614,152 alleles (0.00031%); highest among the groups gnomAD compares: Non-Finnish European, 0.00042%; no homozygotes.

Submission:

GeneDx
Classification: Uncertain significance. Last evaluated: 2019-07-09. Review status: criteria provided, single submitter. Criteria: GeneDx Variant Classification Process June 2021. Collection method: clinical testing. Allele origin: germline. Affected: yes.
Comment: In silico analysis, which includes protein predictors and evolutionary conservation, supports that this variant does not alter protein structure/function